The following is an entry in ClinVar:

NM_000093.5(COL5A1):c.1827+16G>A

Gene: COL5A1 (collagen type V alpha 1 chain; plus strand). Cytogenetic location: 9q34.3.
Variant type: single nucleotide variant.
Coding change: c.1827+16G>A on transcript NM_000093.5 (MANE Select); 16 bases into the intron after coding-DNA position 1827, G replaced by A.
Molecular consequence: intron variant.
Genome position (GRCh38, 1-based): chr9:134,754,342, G>A. VCF-style: chr9-134754342-G-A. GRCh37 (hg19) VCF-style: chr9-137646188-G-A.
Other names: c.1827+16G>A (NM_001278074.1).
Identifiers: ClinVar variation 390926 (VCV000390926.11), dbSNP rs745897562, ClinGen allele CA5318986.

ClinVar aggregate classification (germline): Likely benign. Review status: criteria provided, multiple submitters, no conflicts (2 of 4 stars). 4 submissions from 4 submitters: Likely benign (4). Last evaluated 2026-04-07.

Conditions:
Ehlers-Danlos syndrome, classic type, 1 (EDSCL1). Also called: EHLERS-DANLOS SYNDROME, GRAVIS TYPE; EHLERS-DANLOS SYNDROME, SEVERE CLASSIC TYPE; Ehlers-Danlos syndrome, type 1; Ehlers-Danlos Syndrome, Classic Type, COL5A1-Related; EDS I. Identifiers: MedGen C0268335, MONDO:0019567, OMIM 130000.

Allele frequency attached by ClinVar (database versions not stated): ExAC 0.00001; TOPMed 0.00001; gnomAD 0.00002; gnomAD exomes 0.00002 and 0.00005.
gnomAD v4.1: 70 of 1,613,882 alleles (0.0043%); highest among the groups gnomAD compares: Non-Finnish European, 0.0058%; no homozygotes.

Submissions (4):

Women's Health and Genetics/Laboratory Corporation of America, LabCorp
Classification: Likely benign. Last evaluated: 2026-04-07. Review status: criteria provided, single submitter. Criteria: LabCorp Variant Classification Summary - May 2015. Collection method: clinical testing. Allele origin: germline.
Comment: Variant summary: COL5A1 c.1827+16G>A alters a nucleotide located at a position not widely known to affect splicing. Several computational tools predict a significant impact on normal splicing: Three predict the variant creates/strengthens a cryptic 5' donor site. Two predict the variant has no significant impact on splicing. However, these predictions have yet to be confirmed by functional studies. The variant allele was found at a frequency of 4.3e-05 in 1613882 control chromosomes, predominantly at a frequency of 5.8e-05 within the Non-Finnish European subpopulation in the gnomAD database. The observed variant frequency within Non-Finnish European control individuals in the gnomAD database exceeds the estimated maximal expected allele frequency for disease-causing variants in COL5A1. To our knowledge, no occurrence of c.1827+16G>A in individuals affected with COL5A1-related conditions and no experimental evidence demonstrating its impact on protein function have been reported. ClinVar contains an entry for this variant (Variation ID: 390926). Based on the evidence outlined above, the variant was classified as likely benign.

Labcorp Genetics (formerly Invitae), Labcorp
Classification: Likely benign for Ehlers-Danlos syndrome, classic type, 1. Last evaluated: 2025-10-13. Review status: criteria provided, single submitter. Criteria: Invitae Variant Classification Sherloc (09022015). Collection method: clinical testing. Allele origin: germline.

Blueprint Genetics
Classification: Likely benign. Last evaluated: 2021-11-29. Review status: criteria provided, single submitter. Criteria: ACMG Guidelines, 2015. Collection method: clinical testing. Allele origin: germline.

GeneDx
Classification: Likely benign. Last evaluated: 2016-11-21. Review status: criteria provided, single submitter. Criteria: GeneDx Variant Classification (06012015). Collection method: clinical testing. Allele origin: germline. Affected: yes.
Comment: This variant is considered likely benign or benign based on one or more of the following criteria: it is a conservative change, it occurs at a poorly conserved position in the protein, it is predicted to be benign by multiple in silico algorithms, and/or has population frequency not consistent with disease.